The following is an entry in ClinVar:

ClinVar aggregate classification (germline): Uncertain significance. Review status: criteria provided, multiple submitters, no conflicts (2 of 4 stars). 2 submissions from 2 submitters: Uncertain significance (2). Last evaluated 2022-08-17.

Conditions:
Cortical dysplasia-focal epilepsy syndrome (PTHSL1). Also called: Pitt-Hopkins-like syndrome 1. Identifiers: Orphanet 163681, Orphanet 221150, MedGen C2750246, MONDO:0012400, OMIM 610042.

Allele frequency attached by ClinVar (database versions not stated): TOPMed 0.00001; gnomAD exomes 0.00002; gnomAD 0.00003; ExAC 0.00004.
gnomAD v4.1: 33 of 1,614,010 alleles (0.002%); highest among the groups gnomAD compares: Non-Finnish European, 0.0025%; no homozygotes.

Submissions (2):

Labcorp Genetics (formerly Invitae), Labcorp
Classification: Uncertain significance for Cortical dysplasia-focal epilepsy syndrome. Last evaluated: 2022-08-17. Review status: criteria provided, single submitter. Criteria: Invitae Variant Classification Sherloc (09022015). Collection method: clinical testing. Allele origin: germline.
Comment: This sequence change replaces alanine, which is neutral and non-polar, with threonine, which is neutral and polar, at codon 479 of the CNTNAP2 protein (p.Ala479Thr). This variant is present in population databases (rs759244842, gnomAD 0.006%). This variant has not been reported in the literature in individuals affected with CNTNAP2-related conditions. ClinVar contains an entry for this variant (Variation ID: 810204). Algorithms developed to predict the effect of missense changes on protein structure and function are either unavailable or do not agree on the potential impact of this missense change (SIFT: "Deleterious"; PolyPhen-2: "Benign"; Align-GVGD: "Class C0"). In summary, the available evidence is currently insufficient to determine the role of this variant in disease. Therefore, it has been classified as a Variant of Uncertain Significance.

CeGaT Center for Human Genetics Tuebingen
Classification: Uncertain significance. Last evaluated: 2016-06-01. Review status: criteria provided, single submitter. Criteria: CeGaT Center For Human Genetics Tuebingen Variant Classification Criteria Version 2. Collection method: clinical testing. Allele origin: germline. Affected: yes. Observed: 1 variant allele.

NM_014141.6(CNTNAP2):c.1435G>A (p.Ala479Thr)

Gene: CNTNAP2 (contactin associated protein 2; plus strand). Cytogenetic location: 7q35.
Variant type: single nucleotide variant.
Coding change: c.1435G>A on transcript NM_014141.6 (MANE Select); coding-DNA position 1435, G replaced by A.
Protein change: p.Ala479Thr; replaces alanine 479 with threonine.
Molecular consequence: missense variant.
Genome position (GRCh38, 1-based): chr7:147,300,227, G>A. VCF-style: chr7-147300227-G-A. GRCh37 (hg19) VCF-style: chr7-146997319-G-A.
Other names: short protein forms A479T.
Identifiers: ClinVar variation 810204 (VCV000810204.44), dbSNP rs759244842, ClinGen allele CA4546059.
Genomic context (GRCh38, chr7:147,300,227, plus strand): 5'-CACGAGGTTCGCTTCCTAGCCAAGGAAAATTTTGCTATTCTCACCATCGATGGAGATGAA[G>A]CATCAGCAGTTCGAACTAATAGTCCCCTTCAAGTTAAAACTGGCGAGAAGTACTTTTTTG-3'
Protein context (NP_054860.1, residues 469-489): FAILTIDGDE[Ala479Thr]SAVRTNSPLQ